The following is an entry in ClinVar:

ClinVar aggregate classification (germline): Benign. Review status: criteria provided, multiple submitters, no conflicts (2 of 4 stars). 4 submissions from 3 submitters: Benign (4). Last evaluated 2021-06-19.

Conditions:
Sacral defect with anterior meningocele. Identifiers: MedGen C1838568, OMIM 600145.
Neural tube defect (NTD). Also called: Neural tube defects. Identifiers: Orphanet 3388, Orphanet 823, MedGen C0027794, MONDO:0018075, HP:0045005.

Allele frequency attached by ClinVar (database versions not stated): gnomAD 0.17099 and 0.17635; TOPMed 0.17168; 1000 Genomes Project 30x 0.18613; 1000 Genomes Project 0.19149; gnomAD exomes 0.21296.
gnomAD v4.1: 297,646 of 1,425,198 alleles (21%); highest among the groups gnomAD compares: South Asian, 26%; 32,818 homozygotes.

Submissions (4):

GeneDx
Classification: Benign. Last evaluated: 2021-06-19. Review status: criteria provided, single submitter. Criteria: GeneDx Variant Classification Process June 2021. Collection method: clinical testing. Allele origin: germline. Affected: yes.

Illumina Laboratory Services, Illumina
Classification: Benign for Sacral defect with anterior meningocele. Last evaluated: 2018-01-12. Review status: criteria provided, single submitter. Criteria: ICSL Variant Classification Criteria 13 December 2019. Collection method: clinical testing. Allele origin: germline.
Comment: This variant was observed in the ICSL laboratory as part of a predisposition screen in an ostensibly healthy population. It had not been previously curated by ICSL or reported in the Human Gene Mutation Database (HGMD: prior to June 1st, 2018), and was therefore a candidate for classification through an automated scoring system. Utilizing variant allele frequency, disease prevalence and penetrance estimates, and inheritance mode, an automated score was calculated to assess if this variant is too frequent to cause the disease. Based on the score and internal cut-off values, a variant classified as benign is not then subjected to further curation. The score for this variant resulted in a classification of benign for this disease.

Illumina Laboratory Services, Illumina
Classification: Benign for Neural tube defects, susceptibility to. Last evaluated: 2018-01-12. Review status: criteria provided, single submitter. Criteria: ICSL Variant Classification Criteria 13 December 2019. Collection method: clinical testing. Allele origin: germline.
Comment: the same text as in the submission from Illumina Laboratory Services, Illumina above.

Breakthrough Genomics
Classification: Benign. Review status: criteria provided, single submitter. Criteria: ACMG Guidelines, 2015. Collection method: not provided. Allele origin: germline. Inheritance: Autosomal dominant inheritance. Affected: yes.

NM_138959.3(VANGL1):c.*83T>A

Gene: VANGL1 (VANGL planar cell polarity protein 1; plus strand). Cytogenetic location: 1p13.1.
Variant type: single nucleotide variant.
Coding change: c.*83T>A on transcript NM_138959.3 (MANE Select); 83 bases downstream of the stop codon, T replaced by A.
Molecular consequence: 3 prime UTR variant.
Genome position (GRCh38, 1-based): chr1:115,691,462, T>A. VCF-style: chr1-115691462-T-A. GRCh37 (hg19) VCF-style: chr1-116234083-T-A.
Other names: c.*83T>A (NM_001172411.2, NM_001172412.2).
Identifiers: ClinVar variation 292015 (VCV000292015.8), dbSNP rs3811013, ClinGen allele CA10607717.